The following is an entry in ClinVar:

NM_021969.3(NR0B2):c.426C>T (p.Ser142=)

Genes: NR0B2 (nuclear receptor subfamily 0 group B member 2; minus strand), NUDC (nuclear distribution C, dynein complex regulator; plus strand). Cytogenetic location: 1p36.11.
Variant type: single nucleotide variant.
Coding change: c.426C>T on transcript NM_021969.3 (MANE Select); coding-DNA position 426, C replaced by T.
Protein change: p.Ser142=; no amino-acid change (serine 142 retained).
Molecular consequence: synonymous variant.
Genome position (GRCh38, 1-based): chr1:26,913,515, G>A on the plus strand (C>T on the coding strand, the complement: NR0B2 is on the minus strand). VCF-style: chr1-26913515-G-A. GRCh37 (hg19) VCF-style: chr1-27240006-G-A.
Identifiers: ClinVar variation 3045562 (VCV003045562.2), dbSNP rs779114304, ClinGen allele CA709651.

ClinVar aggregate classification (germline): Likely benign (0 of 4 stars; one submission).

Conditions:
NR0B2-related disorder. Also called: NR0B2-related condition.

Allele frequency attached by ClinVar (database versions not stated): TOPMed 0.00001; gnomAD exomes 0.00003; ExAC 0.00005.
gnomAD v4.1: 17 of 1,613,318 alleles (0.0011%); highest among the groups gnomAD compares: Admixed American, 0.027%; no homozygotes.

Submission:

PreventionGenetics, part of Exact Sciences
Classification: Likely benign for NR0B2-related condition. Last evaluated: 2022-03-22. Review status: no assertion criteria provided. Collection method: clinical testing. Allele origin: germline.
Comment: This variant is classified as likely benign based on ACMG/AMP sequence variant interpretation guidelines (Richards et al. 2015 PMID: 25741868, with internal and published modifications).